The following is an entry in ClinVar:

NM_001164665.2(KIAA1549):c.895A>G (p.Ile299Val)

Gene: KIAA1549 (KIAA1549; minus strand). Cytogenetic location: 7q34.
Variant type: single nucleotide variant.
Coding change: c.895A>G on transcript NM_001164665.2 (MANE Select); coding-DNA position 895, A replaced by G.
Protein change: p.Ile299Val; replaces isoleucine 299 with valine.
Molecular consequence: missense variant.
Genome position (GRCh38, 1-based): chr7:138,918,731, T>C on the plus strand (A>G on the coding strand, the complement: KIAA1549 is on the minus strand). VCF-style: chr7-138918731-T-C. GRCh37 (hg19) VCF-style: chr7-138603477-T-C.
Other names: c.895A>G, p.Ile299Val (NM_020910.3); short protein forms I299V.
Identifiers: ClinVar variation 1010540 (VCV001010540.8), dbSNP rs767358584, ClinGen allele CA4506837.

ClinVar aggregate classification (germline): Uncertain significance (1 of 4 stars; one submission).

Allele frequency attached by ClinVar (database versions not stated): gnomAD exomes below 0.00001; ExAC 0.00001; TOPMed 0.00001.
gnomAD v4.1: 2 of 1,613,858 alleles (0.00012%); highest among the groups gnomAD compares: Admixed American, 0.0017%; no homozygotes.

Submission:

Labcorp Genetics (formerly Invitae), Labcorp
Classification: Uncertain significance. Last evaluated: 2023-12-11. Review status: criteria provided, single submitter. Criteria: Invitae Variant Classification Sherloc (09022015). Collection method: clinical testing. Allele origin: germline.
Comment: This sequence change replaces isoleucine, which is neutral and non-polar, with valine, which is neutral and non-polar, at codon 299 of the KIAA1549 protein (p.Ile299Val). This variant is present in population databases (rs767358584, gnomAD 0.003%). This variant has not been reported in the literature in individuals affected with KIAA1549-related conditions. ClinVar contains an entry for this variant (Variation ID: 1010540). An algorithm developed to predict the effect of missense changes on protein structure and function (PolyPhen-2) suggests that this variant is likely to be tolerated. In summary, the available evidence is currently insufficient to determine the role of this variant in disease. Therefore, it has been classified as a Variant of Uncertain Significance.